The following is an entry in ClinVar:

ClinVar aggregate classification (germline): Uncertain significance (1 of 4 stars; one submission).

Submission:

Dasa
Classification: Uncertain significance. Last evaluated: 2025-12-27. Review status: criteria provided, single submitter. Criteria: DASA Assertion Criteria. Collection method: clinical testing. Allele origin: germline.
Comment: NM_001353345.2(SETD1B):c.4071_4073dup (p.Glu1357dup) is an in-frame duplication predicted to duplicate glutamic acid at protein position 1357 without shifting the reading frame. This variant is rare in population databases. The currently available literature and clinical evidence are not sufficient to establish a definitive association between this variant and the reported condition. Therefore, this variant is classified as a variant of uncertain significance.

NM_001353345.2(SETD1B):c.4071_4073dup (p.Glu1357_Asp1358insGlu)

Gene: SETD1B (SET domain containing 1B, histone lysine methyltransferase; plus strand). Cytogenetic location: 12q24.31.
Variant type: Duplication.
Coding change: c.4071_4073dup on transcript NM_001353345.2 (MANE Select); coding-DNA positions 4071 to 4073, 3 bases duplicated (GGA; older notation c.4071_4073dupGGA).
Protein change: p.Glu1357_Asp1358insGlu.
Molecular consequence: inframe insertion.
Genome position (GRCh38, 1-based): chr12:121,822,650-121,822,652, GGA duplicated; duplicating any 3 consecutive bases within chr12:121,822,648-121,822,652 gives the same sequence; the c. name uses the placement nearest the transcript's 3' end. VCF-style (leftmost placement, unchanged base first): chr12-121822647-C-CGAG. GRCh37 (hg19) VCF-style: chr12-122260553-C-CGAG.
Identifiers: ClinVar variation 4886329 (VCV004886329.2).